The following is an entry in ClinVar:

ClinVar aggregate classification (germline): Uncertain significance (1 of 4 stars; one submission).

Conditions:
Dilated cardiomyopathy 1G (CMD1G). Identifiers: Orphanet 154, MedGen C1858763, MONDO:0011400, OMIM 604145.
Autosomal recessive limb-girdle muscular dystrophy type 2J (LGMDR10). Also called: Limb-girdle muscular dystrophy, type 2J; MUSCULAR DYSTROPHY, LIMB-GIRDLE, AUTOSOMAL RECESSIVE 10. Identifiers: Orphanet 140922, MedGen C1837342, MONDO:0012127, OMIM 608807.

Submission:

Labcorp Genetics (formerly Invitae), Labcorp
Classification: Uncertain significance for Dilated cardiomyopathy 1G; Autosomal recessive limb-girdle muscular dystrophy type 2J. Last evaluated: 2022-02-09. Review status: criteria provided, single submitter. Criteria: Invitae Variant Classification Sherloc (09022015). Collection method: clinical testing. Allele origin: germline.
Comment: This sequence change replaces aspartic acid, which is acidic and polar, with asparagine, which is neutral and polar, at codon 34312 of the TTN protein (p.Asp34312Asn). This variant is not present in population databases (gnomAD no frequency). This variant has not been reported in the literature in individuals affected with TTN-related conditions. ClinVar contains an entry for this variant (Variation ID: 951395). Experimental studies and prediction algorithms are not available or were not evaluated, and the functional significance of this variant is currently unknown. This variant is located in the M band of TTN (PMID: 25589632). Variants in this region may be relevant for neuromuscular disorders, but have not been definitively shown to cause cardiomyopathy (PMID: 23975875). In summary, the available evidence is currently insufficient to determine the role of this variant in disease. Therefore, it has been classified as a Variant of Uncertain Significance.

Literature cited by the submitters: PubMed 25589632; PubMed 23975875.

NM_001267550.2(TTN):c.102934G>A (p.Asp34312Asn)

Genes: TTN (titin; minus strand), TTN-AS1 (TTN antisense RNA 1; plus strand). Cytogenetic location: 2q31.2.
Variant type: single nucleotide variant.
Coding change: c.102934G>A on transcript NM_001267550.2 (MANE Select); coding-DNA position 102934, G replaced by A.
Protein change: p.Asp34312Asn; replaces aspartic acid 34312 with asparagine.
Molecular consequence: missense variant.
Genome position (GRCh38, 1-based): chr2:178,533,681, C>T on the plus strand (G>A on the coding strand, the complement: TTN is on the minus strand). VCF-style: chr2-178533681-C-T. GRCh37 (hg19) VCF-style: chr2-179398408-C-T.
Other names: c.98011G>A, p.Asp32671Asn (NM_001256850.1); c.75739G>A, p.Asp25247Asn (NM_003319.4); c.95230G>A, p.Asp31744Asn (NM_133378.4); c.76114G>A, p.Asp25372Asn (NM_133432.3); c.76315G>A, p.Asp25439Asn (NM_133437.4); short protein forms D25247N, D32671N, D31744N, D34312N, D25439N, D25372N.
Identifiers: ClinVar variation 951395 (VCV000951395.7), dbSNP rs1690170603, ClinGen allele CA349415746.